The following is an entry in ClinVar:

NM_000059.4(BRCA2):c.1127T>C (p.Phe376Ser)

Gene: BRCA2 (BRCA2 DNA repair associated; plus strand). Cytogenetic location: 13q13.1.
Variant type: single nucleotide variant.
Coding change: c.1127T>C on transcript NM_000059.4 (MANE Select); coding-DNA position 1127, T replaced by C.
Protein change: p.Phe376Ser; replaces phenylalanine 376 with serine.
Molecular consequence: missense variant.
Genome position (GRCh38, 1-based): chr13:32,332,605, T>C. VCF-style: chr13-32332605-T-C. GRCh37 (hg19) VCF-style: chr13-32906742-T-C.
Other names: short protein forms F376S.
Identifiers: ClinVar variation 409611 (VCV000409611.23), dbSNP rs80358410, ClinGen allele CA16613925.

ClinVar aggregate classification (germline): Conflicting classifications of pathogenicity. Review status: criteria provided, conflicting classifications (1 of 4 stars). 8 submissions from 8 submitters: Uncertain significance (7); Likely benign (1). Last evaluated 2025-11-26.

Conditions:
Hereditary cancer-predisposing syndrome. Also called: Tumor predisposition; Hereditary Cancer Syndrome; Hereditary neoplastic syndrome; Neoplastic Syndromes, Hereditary. Identifiers: Orphanet 140162, MedGen C0027672, MeSH D009386, MONDO:0015356.
Hereditary breast ovarian cancer syndrome. Also called: Hereditary breast and ovarian cancer; Hereditary breast and/or ovarian cancer syndrome; BRCA1- and BRCA2-Associated Hereditary Breast and Ovarian Cancer; Hereditary breast and ovarian cancer syndrome; Hereditary breast and ovarian cancer syndrome (HBOC); Breast and ovarian cancer. Identifiers: Orphanet 145, MedGen C0677776, MeSH D061325, MONDO:0003582. Disease mechanism: loss of function.
BRCA2-related cancer predisposition. Identifiers: MedGen CN377758, MONDO:0700269.

Allele frequency attached by ClinVar (database versions not stated): gnomAD 0.00001.
gnomAD v4.1: 4 of 1,613,940 alleles (0.00025%); highest among the groups gnomAD compares: Non-Finnish European, 0.00025%; no homozygotes.

Submissions (8):

Labcorp Genetics (formerly Invitae), Labcorp
Classification: Uncertain significance for Hereditary breast ovarian cancer syndrome. Last evaluated: 2025-11-26. Review status: criteria provided, single submitter. Criteria: Invitae Variant Classification Sherloc (09022015). Collection method: clinical testing. Allele origin: germline.
Comment: This sequence change replaces phenylalanine, which is neutral and non-polar, with serine, which is neutral and polar, at codon 376 of the BRCA2 protein (p.Phe376Ser). This variant is present in population databases (no rsID available, gnomAD no frequency). This variant has not been reported in the literature in individuals affected with BRCA2-related conditions. ClinVar contains an entry for this variant (Variation ID: 409611). Invitae Evidence Modeling of protein sequence and biophysical properties (such as structural, functional, and spatial information, amino acid conservation, physicochemical variation, residue mobility, and thermodynamic stability) indicates that this missense variant is not expected to disrupt BRCA2 protein function with a negative predictive value of 95%. In summary, the available evidence is currently insufficient to determine the role of this variant in disease. Therefore, it has been classified as a Variant of Uncertain Significance.

Ambry Genetics
Classification: Uncertain significance for Hereditary cancer-predisposing syndrome. Last evaluated: 2024-11-07. Review status: criteria provided, single submitter. Criteria: Ambry Variant Classification Scheme 2023. Collection method: clinical testing. Allele origin: germline.
Comment: The p.F376S variant (also known as c.1127T>C), located in coding exon 9 of the BRCA2 gene, results from a T to C substitution at nucleotide position 1127. The phenylalanine at codon 376 is replaced by serine, an amino acid with highly dissimilar properties. This amino acid position is not well conserved in available vertebrate species. In addition, this alteration is predicted to be tolerated by in silico analysis. Based on the available evidence, the clinical significance of this variant remains unclear.

All of Us Research Program, National Institutes of Health
Classification: Uncertain significance for BRCA2-related cancer predisposition. Last evaluated: 2024-05-14. Review status: criteria provided, single submitter. Criteria: ACMG Guidelines, 2015. Collection method: clinical testing. Allele origin: germline. Inheritance: Autosomal dominant inheritance. Observed: 1 variant allele, 1 heterozygote.
Comment: This missense variant replaces phenylalanine with serine at codon 376 of the BRCA2 protein. Computational prediction suggests that this variant may not impact protein structure and function (internally defined REVEL score threshold <= 0.5, PMID: 27666373). To our knowledge, functional studies have not been reported for this variant. In a large breast cancer case-control study conducted by the BRIDGES consortium, this variant was reported in 1/60466 cases and 1/53461 controls, showing inconclusive association with disease (OR=0.884, 95%CI 0.055 to 14.136, p-value=1) (PMID: 33471991; Leiden Open Variation Database DB-ID BRCA2_007790). This variant has been identified in 1/31394 chromosomes in the general population by the Genome Aggregation Database (gnomAD). The available evidence is insufficient to determine the role of this variant in disease conclusively. Therefore, this variant is classified as a Variant of Uncertain Significance.

This study involves interpretation of variants in research participants for the purpose of population health screening. Participant phenotype was not available at the time of variant classification. Additional details can be found in publication PMID: 35346344, PMCID: PMC8962531

Color Diagnostics, LLC DBA Color Health
Classification: Uncertain significance for Hereditary cancer-predisposing syndrome. Last evaluated: 2024-04-18. Review status: criteria provided, single submitter. Criteria: ACMG Guidelines, 2015. Collection method: clinical testing. Allele origin: germline.
Comment: This missense variant replaces phenylalanine with serine at codon 376 of the BRCA2 protein. Computational prediction suggests that this variant may not impact protein structure and function. To our knowledge, functional studies have not been reported for this variant. In a large breast cancer case-control study conducted by the BRIDGES consortium, this variant was reported in 1/60466 cases and 1/53461 controls (PMID: 33471991; Leiden Open Variation Database DB-ID BRCA2_007790). This variant has been identified in 1/31394 chromosomes in the general population by the Genome Aggregation Database (gnomAD). The available evidence is insufficient to determine the role of this variant in disease conclusively. Therefore, this variant is classified as a Variant of Uncertain Significance.

University of Washington Department of Laboratory Medicine, University of Washington
Classification: Likely benign for Hereditary cancer-predisposing syndrome. Last evaluated: 2023-03-23. Review status: criteria provided, single submitter. Criteria: Dines et al. (Genet Med. 2020). Collection method: curation. Allele origin: germline.
Comment: Missense variant in a coldspot region where missense variants are very unlikely to be pathogenic (PMID:31911673).

BRCA2 exon 10 coldspot. Reclassification based on statistical prior probability.

GeneDx
Classification: Uncertain significance. Last evaluated: 2021-03-10. Review status: criteria provided, single submitter. Criteria: GeneDx Variant Classification Process June 2021. Collection method: clinical testing. Allele origin: germline. Affected: yes.
Comment: Not observed at a significant frequency in large population cohorts (Lek et al., 2016); In silico analysis supports that this missense variant does not alter protein structure/function; Has not been previously published as pathogenic or benign to our knowledge; Also known as 1355T>C

Women's Health and Genetics/Laboratory Corporation of America, LabCorp
Classification: Uncertain significance. Last evaluated: 2020-05-04. Review status: criteria provided, single submitter. Criteria: LabCorp Variant Classification Summary - May 2015. Collection method: clinical testing. Allele origin: germline.
Comment: Variant summary: BRCA2 c.1127T>C (p.Phe376Ser) results in a non-conservative amino acid change in the encoded protein sequence. Three of five in-silico tools predict a benign effect of the variant on protein function. The variant was absent in 250164 control chromosomes. The available data on variant occurrences in the general population are insufficient to allow any conclusion about variant significance. To our knowledge, there are no reports of c.1127T>C in individuals affected with Hereditary Breast and Ovarian Cancer and no experimental evidence demonstrating an impact on protein function cited in the literature. Three other clinical diagnostic laboratories have submitted clinical-significance assessments for this variant to ClinVar after 2014 without evidence for independent evaluation. All laboratories classified the variant as uncertain significance. Based on the evidence outlined above, the variant was classified as uncertain significance.

Quest Diagnostics Nichols Institute San Juan Capistrano
Classification: Uncertain significance. Last evaluated: 2018-02-22. Review status: criteria provided, single submitter. Criteria: Quest Diagnostics criteria. Collection method: clinical testing. Allele origin: germline.

Literature cited by the submitters: PubMed 33471991 (cited by All of Us Research Program, National Institutes of Health and Color Diagnostics, LLC DBA Color Health); PubMed 29202330 (cited by Women's Health and Genetics/Laboratory Corporation of America, LabCorp).